The following is an entry in ClinVar:

NM_000222.3(KIT):c.2802T>C (p.His934=)

Gene: KIT (KIT proto-oncogene, receptor tyrosine kinase; plus strand). Cytogenetic location: 4q12.
Variant type: single nucleotide variant.
Coding change: c.2802T>C on transcript NM_000222.3 (MANE Select); coding-DNA position 2802, T replaced by C.
Protein change: p.His934=; no amino-acid change (histidine 934 retained).
Molecular consequence: synonymous variant.
Genome position (GRCh38, 1-based): chr4:54,737,280, T>C. VCF-style: chr4-54737280-T-C. GRCh37 (hg19) VCF-style: chr4-55603446-T-C.
Other names: c.2790T>C, p.His930= (NM_001093772.2, NM_001385292.1); c.2805T>C, p.His935= (NM_001385284.1); c.2799T>C, p.His933= (NM_001385285.1); c.2787T>C, p.His929= (NM_001385286.1); c.2793T>C, p.His931= (NM_001385288.1); c.2802T>C, p.His934= (NM_001385290.1).
Identifiers: ClinVar variation 409794 (VCV000409794.13), dbSNP rs764592751, ClinGen allele CA2923854.

ClinVar aggregate classification (germline): Conflicting classifications of pathogenicity. Review status: criteria provided, conflicting classifications (1 of 4 stars). 2 submissions from 2 submitters: Uncertain significance (1); Likely benign (1). Last evaluated 2025-09-10.

Conditions:
Gastrointestinal stromal tumor. Also called: Gastrointestinal stroma tumor; Gastrointestinal stromal tumor, somatic. Identifiers: Orphanet 44890, MedGen C0238198, MeSH D046152, MONDO:0011719, OMIM 606764, HP:0100723.
Hereditary cancer-predisposing syndrome. Also called: Neoplastic Syndromes, Hereditary; Hereditary Cancer Syndrome; Hereditary neoplastic syndrome; Tumor predisposition. Identifiers: Orphanet 140162, MedGen C0027672, MeSH D009386, MONDO:0015356.

Allele frequency attached by ClinVar (database versions not stated): ExAC 0.00002; TOPMed below 0.00001; gnomAD 0.00001; gnomAD exomes 0.00001.
gnomAD v4.1: 9 of 1,592,258 alleles (0.00057%); highest among the groups gnomAD compares: South Asian, 0.0022%; no homozygotes.

Submissions (2):

Labcorp Genetics (formerly Invitae), Labcorp
Classification: Likely benign for Gastrointestinal stromal tumor. Last evaluated: 2025-09-10. Review status: criteria provided, single submitter. Criteria: Invitae Variant Classification Sherloc (09022015). Collection method: clinical testing. Allele origin: germline.

Ambry Genetics
Classification: Uncertain significance for Hereditary cancer-predisposing syndrome. Last evaluated: 2024-12-20. Review status: criteria provided, single submitter. Criteria: Ambry Variant Classification Scheme 2023. Collection method: clinical testing. Allele origin: germline.
Comment: The c.2802T>C variant (also known as p.H934H), located in coding exon 20 of the KIT gene, results from a T to C substitution at nucleotide position 2802. This nucleotide substitution does not change the histidine at codon 934. However, this change occurs in the last base pair of coding exon 20, which makes it likely to have some effect on normal mRNA splicing. This nucleotide position is not well conserved in available vertebrate species. In silico splice site analysis predicts that this alteration will not have any significant effect on splicing. Based on the available evidence, the clinical significance of this variant remains unclear.